The following is an entry in ClinVar:

NM_020911.2(PLXNA4):c.4543G>A (p.Val1515Ile)

Gene: PLXNA4 (plexin A4; minus strand). Cytogenetic location: 7q32.3.
Variant type: single nucleotide variant.
Coding change: c.4543G>A on transcript NM_020911.2 (MANE Select); coding-DNA position 4543, G replaced by A.
Protein change: p.Val1515Ile; replaces valine 1515 with isoleucine.
Molecular consequence: missense variant.
Genome position (GRCh38, 1-based): chr7:132,159,590, C>T on the plus strand (G>A on the coding strand, the complement: PLXNA4 is on the minus strand). VCF-style: chr7-132159590-C-T. GRCh37 (hg19) VCF-style: chr7-131844349-C-T.
Other names: c.4543G>A, p.Val1515Ile (NM_001393897.1); short protein forms V1515I.
Identifiers: ClinVar variation 4985846 (VCV004985846.1).

ClinVar aggregate classification (germline): Uncertain significance (1 of 4 stars; one submission).

Conditions:
PLXNA4-related disorder. Also called: PLXNA4-related condition.

gnomAD v4.1: 9 of 1,613,970 alleles (0.00056%); highest among the groups gnomAD compares: African/African-American, 0.012%; no homozygotes.

Submission:

PreventionGenetics, part of Exact Sciences
Classification: Uncertain significance for PLXNA4-related condition. Last evaluated: 2025-12-09. Review status: criteria provided, single submitter. Criteria: ACMG Guidelines, 2015. Collection method: clinical testing. Allele origin: germline.
Comment: The PLXNA4 c.4543G>A variant is predicted to result in the amino acid substitution p.Val1515Ile. To our knowledge, this variant has not been reported in the literature. This variant is reported in 0.029% of alleles in individuals of African descent in gnomAD. At this time, the clinical significance of this variant is uncertain due to the absence of conclusive functional and genetic evidence.